The following is an entry in ClinVar:

ClinVar aggregate classification (germline): Likely benign. Review status: criteria provided, multiple submitters, no conflicts (2 of 4 stars). 4 submissions from 4 submitters: Likely benign (3). 1 of the submissions does not count toward it. Last evaluated 2026-01-31.

Conditions:
Primary ciliary dyskinesia. Also called: Ciliary dyskinesia. Identifiers: Orphanet 244, MedGen C0008780, MONDO:0016575, HP:0012265.
DNAH11-related disorder. Also called: DNAH11-related condition.

Allele frequency attached by ClinVar (database versions not stated): gnomAD exomes 0.00010 and 0.00027; ExAC 0.00062; ESP Exome Variant Server 0.00083; TOPMed 0.00115; 1000 Genomes Project 0.00160; 1000 Genomes Project 30x 0.00172.
gnomAD v4.1: 303 of 1,561,994 alleles (0.019%); highest among the groups gnomAD compares: African/African-American, 0.35%; 1 homozygote.

Submissions (4):

Labcorp Genetics (formerly Invitae), Labcorp
Classification: Likely benign for Primary ciliary dyskinesia. Last evaluated: 2026-01-31. Review status: criteria provided, single submitter. Criteria: Invitae Variant Classification Sherloc (09022015). Collection method: clinical testing. Allele origin: germline.

Blueprint Genetics
Classification: Likely benign. Last evaluated: 2024-10-18. Review status: criteria provided, single submitter. Criteria: ACMG Guidelines, 2015. Collection method: clinical testing. Allele origin: germline.

Ambry Genetics
Classification: Likely benign for Primary ciliary dyskinesia. Last evaluated: 2016-10-11. Review status: criteria provided, single submitter. Criteria: Ambry Variant Classification Scheme 2023. Collection method: clinical testing. Allele origin: germline.

PreventionGenetics, part of Exact Sciences
Classification: Benign for DNAH11-related condition. Last evaluated: 2019-02-24. Review status: no assertion criteria provided. Collection method: clinical testing. Allele origin: germline. Not counted in ClinVar's aggregate classification.
Comment: This variant is classified as benign based on ACMG/AMP sequence variant interpretation guidelines (Richards et al. 2015 PMID: 25741868, with internal and published modifications).

NM_001277115.2(DNAH11):c.195C>T (p.Arg65=)

Gene: DNAH11 (dynein axonemal heavy chain 11; plus strand). Cytogenetic location: 7p15.3.
Variant type: single nucleotide variant.
Coding change: c.195C>T on transcript NM_001277115.2 (MANE Select); coding-DNA position 195, C replaced by T.
Protein change: p.Arg65=; no amino-acid change (arginine 65 retained).
Molecular consequence: synonymous variant.
Genome position (GRCh38, 1-based): chr7:21,543,440, C>T. VCF-style: chr7-21543440-C-T. GRCh37 (hg19) VCF-style: chr7-21583058-C-T.
Identifiers: ClinVar variation 525553 (VCV000525553.16), dbSNP rs369285943, ClinGen allele CA4178634.
Genomic context (GRCh38, chr7:21,543,440, plus strand): 5'-GGCGGCCAGGAGAGCGCGGAGTTTCGCCCAAGACGCGCGGGTGCGCTTCCTCGGCGGCCG[C>T]CTGGCGATGATGCTGGGGTTCACGGAGGAGAAATGGAGCCAGTATTTGGAAAGCGAGGAC-3'
Protein context (NP_001264044.1, residues 55-75): QDARVRFLGG[Arg65=]LAMMLGFTEE